The following is an entry in ClinVar:

NM_016642.4(SPTBN5):c.10338C>T (p.Pro3446=)

Gene: SPTBN5 (spectrin beta, non-erythrocytic 5; minus strand). Cytogenetic location: 15q15.1.
Variant type: single nucleotide variant.
Coding change: c.10338C>T on transcript NM_016642.4 (MANE Select); coding-DNA position 10338, C replaced by T.
Protein change: p.Pro3446=; no amino-acid change (proline 3446 retained).
Molecular consequence: synonymous variant.
Genome position (GRCh38, 1-based): chr15:41,852,833, G>A on the plus strand (C>T on the coding strand, the complement: SPTBN5 is on the minus strand). VCF-style: chr15-41852833-G-A. GRCh37 (hg19) VCF-style: chr15-42145031-G-A.
Identifiers: ClinVar variation 3050707 (VCV003050707.2), dbSNP rs146650144, ClinGen allele CA7501088.

ClinVar aggregate classification (germline): Likely benign (0 of 4 stars; one submission).

Conditions:
SPTBN5-related disorder. Also called: SPTBN5-related condition.

Allele frequency attached by ClinVar (database versions not stated): gnomAD exomes 0.00017; ExAC 0.00044; ESP Exome Variant Server 0.00141; gnomAD 0.00157; TOPMed 0.00174; 1000 Genomes Project 0.00260; 1000 Genomes Project 30x 0.00265.

Submission:

PreventionGenetics, part of Exact Sciences
Classification: Likely benign for SPTBN5-related condition. Last evaluated: 2019-07-11. Review status: no assertion criteria provided. Collection method: clinical testing. Allele origin: germline.
Comment: This variant is classified as likely benign based on ACMG/AMP sequence variant interpretation guidelines (Richards et al. 2015 PMID: 25741868, with internal and published modifications).